The following is an entry in ClinVar:

NM_001083962.2(TCF4):c.*909G>A

Gene: TCF4 (transcription factor 4; minus strand). Cytogenetic location: 18q21.2.
Variant type: single nucleotide variant.
Coding change: c.*909G>A on transcript NM_001083962.2 (MANE Select); 909 bases downstream of the stop codon, G replaced by A.
Molecular consequence: 3 prime UTR variant.
Genome position (GRCh38, 1-based): chr18:55,227,126, C>T on the plus strand (G>A on the coding strand, the complement: TCF4 is on the minus strand). VCF-style: chr18-55227126-C-T. GRCh37 (hg19) VCF-style: chr18-52894357-C-T.
Other names: c.*909G>A (NM_001243226.3, NM_001243227.2, NM_001243228.2 and 42 more transcripts).
Identifiers: ClinVar variation 327290 (VCV000327290.5), dbSNP rs143242430, ClinGen allele CA10647862.
Genomic context (GRCh38, chr18:55,227,126, plus strand): 5'-TATCTACACATGATGTGACTTTTAAGTCCTGTGTTCCCAAAAGACTGGAGAAACAACTTT[C>T]TACTTATTTATGAATGAGAAGCAACATCAGGGTCAGCATTTCATCCTGCACTACCCCTCT-3'

ClinVar aggregate classification (germline): Benign (1 of 4 stars; one submission).

Conditions:
Pitt-Hopkins syndrome (PTHS). Also called: ENCEPHALOPATHY, SEVERE EPILEPTIC, WITH AUTONOMIC DYSFUNCTION; MENTAL RETARDATION, SYNDROMAL, WITH INTERMITTENT HYPERVENTILATION. Identifiers: Orphanet 2896, MedGen C1970431, MONDO:0012589, OMIM 610954.

Allele frequency attached by ClinVar (database versions not stated): 1000 Genomes Project 0.00359; 1000 Genomes Project 30x 0.00390; gnomAD 0.00514 and 0.00557; TOPMed 0.00595.
gnomAD v4.1: 770 of 152,362 alleles (0.51%); highest among the groups gnomAD compares: African/African-American, 1.8%; 7 homozygotes.

Submission:

Illumina Laboratory Services, Illumina
Classification: Benign for Pitt-Hopkins syndrome. Last evaluated: 2018-01-13. Review status: criteria provided, single submitter. Criteria: ICSL Variant Classification Criteria 13 December 2019. Collection method: clinical testing. Allele origin: germline.
Comment: This variant was observed in the ICSL laboratory as part of a predisposition screen in an ostensibly healthy population. It had not been previously curated by ICSL or reported in the Human Gene Mutation Database (HGMD: prior to June 1st, 2018), and was therefore a candidate for classification through an automated scoring system. Utilizing variant allele frequency, disease prevalence and penetrance estimates, and inheritance mode, an automated score was calculated to assess if this variant is too frequent to cause the disease. Based on the score and internal cut-off values, a variant classified as benign is not then subjected to further curation. The score for this variant resulted in a classification of benign for this disease.